The following is an entry in ClinVar:

NM_004409.5(DMPK):c.161-58dup

Gene: DMPK (DM1 protein kinase; minus strand). Cytogenetic location: 19q13.32.
Variant type: Duplication.
Coding change: c.161-58dup on transcript NM_004409.5 (MANE Select); 58 bases into the intron before coding-DNA position 161, one base duplicated (C; older notation c.161-58dupC).
Molecular consequence: intron variant. On other transcripts: frameshift variant (1).
Genome position (GRCh38, 1-based): chr19:45,779,927, G duplicated on the plus strand (C on the coding strand, the reverse complement: DMPK is on the minus strand); the first of 5 consecutive G bases (chr19:45,779,927-45,779,931); duplicating any one gives the same sequence. VCF-style (leftmost placement, unchanged base first): chr19-45779926-A-AG. GRCh37 (hg19) VCF-style: chr19-46283184-A-AG.
Other names: NM_001081563.1:c.133dupC; p.Leu45ProfsX9; c.129dup, p.Leu45Profs (NM_001081563.3); c.-330-58dup (NM_001424166.1); c.161-58dup (NM_001288766.2, NM_001424169.1, NM_001081562.3 and 5 more transcripts); c.239-58dup (NM_001424163.1, NM_001288764.2); short protein forms L45fs.
Identifiers: ClinVar variation 402594 (VCV000402594.4), dbSNP rs751073998, ClinGen allele CA9521656.

ClinVar aggregate classification (germline): Uncertain significance (1 of 4 stars; one submission).

Submission:

Laboratory for Molecular Medicine, Mass General Brigham Personalized Medicine
Classification: Uncertain significance. Last evaluated: 2016-03-28. Review status: criteria provided, single submitter. Criteria: LMM Criteria. Collection method: clinical testing. Allele origin: germline.
Comment: Variant identified in a genome or exome case(s) and assessed due to predicted null impact of the variant or pathogenic assertions in the literature or databases. Disclaimer: This variant has not undergone full assessment. The following are preliminary notes: has not been previously reported. To date, only CTG expansion has been associated with myotonic dystrophy 1